The following is an entry in ClinVar:

ClinVar aggregate classification (germline): Likely benign (1 of 4 stars; one submission).

Allele frequency attached by ClinVar (database versions not stated): 1000 Genomes Project 0.00759; 1000 Genomes Project 30x 0.00765; TOPMed 0.01060; ExAC 0.01458.
gnomAD v4.1: 2,012 of 615,722 alleles (0.33%); highest among the groups gnomAD compares: African/African-American, 3.3%; 28 homozygotes.

Submission:

GeneDx
Classification: Likely benign. Last evaluated: 2021-05-27. Review status: criteria provided, single submitter. Criteria: GeneDx Variant Classification Process June 2021. Collection method: clinical testing. Allele origin: germline. Affected: yes.
Comment: See Variant Classification Assertion Criteria.

NM_023036.6(DNAI2):c.-11-201G>C

Gene: DNAI2 (dynein axonemal intermediate chain 2; plus strand). Cytogenetic location: 17q25.1.
Variant type: single nucleotide variant.
Coding change: c.-11-201G>C on transcript NM_023036.6 (MANE Select); 201 bases into the intron before 11 bases upstream of the start codon, G replaced by C.
Molecular consequence: intron variant.
Genome position (GRCh38, 1-based): chr17:74,281,606, G>C. VCF-style: chr17-74281606-G-C. GRCh37 (hg19) VCF-style: chr17-72277745-G-C.
Other names: c.-11-201G>C (NM_001353167.2); c.-8-204G>C (NM_001172810.3).
Identifiers: ClinVar variation 1706936 (VCV001706936.2), dbSNP rs73996949, ClinGen allele CA8745162.